The following is an entry in ClinVar:

NM_004260.4(RECQL4):c.462A>G (p.Lys154=)

Gene: RECQL4 (RecQ like helicase 4; minus strand). Cytogenetic location: 8q24.3.
Variant type: single nucleotide variant.
Coding change: c.462A>G on transcript NM_004260.4 (MANE Select); coding-DNA position 462, A replaced by G.
Protein change: p.Lys154=; no amino-acid change (lysine 154 retained).
Molecular consequence: synonymous variant. On other transcripts: 5 prime UTR variant (15), non-coding transcript variant (3), intron variant (3).
Genome position (GRCh38, 1-based): chr8:144,516,657, T>C on the plus strand (A>G on the coding strand, the complement: RECQL4 is on the minus strand). VCF-style: chr8-144516657-T-C. GRCh37 (hg19) VCF-style: chr8-145742041-T-C.
Other names: c.462A>G, p.Lys154= (NM_001413017.1, NM_001413018.1, NM_001413019.1 and 4 more transcripts); c.-610A>G (NM_001413022.1, NM_001413023.1, NM_001413024.1 and 5 more transcripts); c.333A>G, p.Lys111= (NM_001413025.1); c.-672A>G (NM_001413027.1, NM_001413030.1, NM_001413031.1 and 2 more transcripts); c.-514A>G (NM_001413034.1); c.-879A>G (NM_001413043.1); c.355-244A>G (NM_001413029.1); c.-366-244A>G (NM_001413021.1); and 1 more.
Identifiers: ClinVar variation 2167540 (VCV002167540.4), dbSNP rs1402781276, ClinGen allele CA463568071.
Genomic context (GRCh38, chr8:144,516,657, plus strand): 5'-ATGCTGGAGCCGGCCTGGCCTTGGCTGGGGCTCAGGGAGCTGTGGAGGCTCATCACTGAC[T>C]TTTTCTGCAAAGGAGGGGACAGGCCCTGTACCTGGGGGCTTTGGGGTGGATGCCTTAGAT-3'
Protein context (NP_004251.4, residues 144-164): GTGPVPSFAE[Lys154=]VSDEPPQLPE

ClinVar aggregate classification (germline): Uncertain significance (1 of 4 stars; one submission).

Conditions:
Baller-Gerold syndrome (BGS). Also called: CRANIOSYNOSTOSIS WITH RADIAL DEFECTS. Identifiers: Orphanet 1225, MedGen C0265308, MONDO:0009039, OMIM 218600.

Submission:

Labcorp Genetics (formerly Invitae), Labcorp
Classification: Uncertain significance for Baller-Gerold syndrome. Last evaluated: 2022-02-09. Review status: criteria provided, single submitter. Criteria: Invitae Variant Classification Sherloc (09022015). Collection method: clinical testing. Allele origin: germline.
Comment: This sequence change affects codon 154 of the RECQL4 mRNA. It is a 'silent' change, meaning that it does not change the encoded amino acid sequence of the RECQL4 protein. Algorithms developed to predict the effect of sequence changes on RNA splicing suggest that this variant may create or strengthen a splice site. In summary, the available evidence is currently insufficient to determine the role of this variant in disease. Therefore, it has been classified as a Variant of Uncertain Significance. This variant has not been reported in the literature in individuals affected with RECQL4-related conditions. This variant is present in population databases (no rsID available, gnomAD 0.009%).